The following is an entry in ClinVar:

ClinVar aggregate classification (germline): Uncertain significance (1 of 4 stars; one submission).

Conditions:
Alpha-methylacyl-CoA racemase deficiency (AMACRD). Also called: AMACR deficiency. Identifiers: Orphanet 79095, MedGen C3280428, MONDO:0013681, OMIM 614307. Disease mechanism: loss of function.

Allele frequency attached by ClinVar (database versions not stated): gnomAD exomes 0.00001; ExAC 0.00002.
gnomAD v4.1: 4 of 1,614,200 alleles (0.00025%); highest among the groups gnomAD compares: Non-Finnish European, 0.00034%; no homozygotes.

Submission:

Labcorp Genetics (formerly Invitae), Labcorp
Classification: Uncertain significance for Alpha-methylacyl-CoA racemase deficiency. Last evaluated: 2022-05-04. Review status: criteria provided, single submitter. Criteria: Invitae Variant Classification Sherloc (09022015). Collection method: clinical testing. Allele origin: germline.
Comment: This sequence change replaces serine, which is neutral and polar, with asparagine, which is neutral and polar, at codon 260 of the AMACR protein (p.Ser260Asn). This variant is present in population databases (rs751854089, gnomAD 0.003%). This variant has not been reported in the literature in individuals affected with AMACR-related conditions. Algorithms developed to predict the effect of missense changes on protein structure and function (SIFT, PolyPhen-2, Align-GVGD) all suggest that this variant is likely to be tolerated. In summary, the available evidence is currently insufficient to determine the role of this variant in disease. Therefore, it has been classified as a Variant of Uncertain Significance.

NM_014324.6(AMACR):c.779G>A (p.Ser260Asn)

Genes: AMACR (alpha-methylacyl-CoA racemase; minus strand), C1QTNF3-AMACR (C1QTNF3-AMACR readthrough (NMD candidate); minus strand). Cytogenetic location: 5p13.2.
Variant type: single nucleotide variant.
Coding change: c.779G>A on transcript NM_014324.6 (MANE Select); coding-DNA position 779, G replaced by A.
Protein change: p.Ser260Asn; replaces serine 260 with asparagine.
Molecular consequence: missense variant. On other transcripts: non-coding transcript variant (1), 3 prime UTR variant (1).
Genome position (GRCh38, 1-based): chr5:33,989,463, C>T on the plus strand (G>A on the coding strand, the complement: AMACR is on the minus strand). VCF-style: chr5-33989463-C-T. GRCh37 (hg19) VCF-style: chr5-33989568-C-T.
Other names: c.779G>A, p.Ser260Asn (NM_001167595.2); c.*21G>A (NM_203382.3); short protein forms S260N.
Identifiers: ClinVar variation 1968861 (VCV001968861.5), dbSNP rs751854089, ClinGen allele CA3226029.